The following is an entry in ClinVar:

NC_000015.10:g.23564819G>A

Gene: MKRN3 (makorin ring finger protein 3; plus strand). Cytogenetic location: 15q11.2.
Variant type: single nucleotide variant.
Genome position: GRCh38 VCF-style: chr15-23564819-G-A. GRCh37 (hg19) VCF-style: chr15-23809966-G-A.
Identifiers: ClinVar variation 2644972 (VCV002644972.24), dbSNP rs139233681, ClinGen allele CA267639133.

ClinVar aggregate classification (germline): Benign (1 of 4 stars; one submission).

Allele frequency attached by ClinVar (database versions not stated): gnomAD 0.00519; TOPMed 0.00519; 1000 Genomes Project 30x 0.00718; 1000 Genomes Project 0.00779.

Submission:

CeGaT Center for Human Genetics Tuebingen
Classification: Benign. Last evaluated: 2026-09-01. Review status: criteria provided, single submitter. Criteria: CeGaT Center For Human Genetics Tuebingen Variant Classification Criteria Version 2. Collection method: clinical testing. Allele origin: germline. Affected: yes. Observed: 24 variant alleles.
Comment: MKRN3: BS1, BS2